The following is an entry in ClinVar:

NM_001211.6(BUB1B):c.2263A>C (p.Ile755Leu)

Gene: BUB1B (BUB1 mitotic checkpoint serine/threonine kinase B; plus strand). Cytogenetic location: 15q15.1.
Variant type: single nucleotide variant.
Coding change: c.2263A>C on transcript NM_001211.6 (MANE Select); coding-DNA position 2263, A replaced by C.
Protein change: p.Ile755Leu; replaces isoleucine 755 with leucine.
Molecular consequence: missense variant.
Genome position (GRCh38, 1-based): chr15:40,209,754, A>C. VCF-style: chr15-40209754-A-C. GRCh37 (hg19) VCF-style: chr15-40501955-A-C.
Other names: short protein forms I755L.
Identifiers: ClinVar variation 5033492 (VCV005033492.1).

ClinVar aggregate classification (germline): Uncertain significance (1 of 4 stars; one submission).

Conditions:
Inborn genetic diseases. Identifiers: MedGen C0950123, MeSH D030342.

Submission:

Ambry Genetics
Classification: Uncertain significance for Inborn genetic diseases. Last evaluated: 2026-07-27. Review status: criteria provided, single submitter. Criteria: Ambry Variant Classification Scheme 2023. Collection method: clinical testing. Allele origin: germline.
Comment: The p.I755L variant (also known as c.2263A>C), located in coding exon 17 of the BUB1B gene, results from an A to C substitution at nucleotide position 2263. The isoleucine at codon 755 is replaced by leucine, an amino acid with highly similar properties. This amino acid position is conserved. In addition, this alteration is predicted to be tolerated by in silico analysis. Based on the available evidence, the clinical significance of this variant remains unclear.